The following is an entry in ClinVar:

ClinVar aggregate classification (germline): Uncertain significance (1 of 4 stars; one submission).

Conditions:
Cardiovascular phenotype. Identifiers: MedGen CN230736.

Allele frequency attached by ClinVar (database versions not stated): gnomAD exomes below 0.00001.
gnomAD v4.1: 1 of 1,588,856 alleles (0.000063%); highest among the groups gnomAD compares: Non-Finnish European, 0.000086%; no homozygotes.

Submission:

Ambry Genetics
Classification: Uncertain significance for Cardiovascular phenotype. Last evaluated: 2022-12-18. Review status: criteria provided, single submitter. Criteria: Ambry Variant Classification Scheme 2023. Collection method: clinical testing. Allele origin: germline.
Comment: The p.S157G variant (also known as c.469A>G), located in coding exon 5 of the ANK2 gene, results from an A to G substitution at nucleotide position 469. The serine at codon 157 is replaced by glycine, an amino acid with similar properties. This amino acid position is highly conserved in available vertebrate species. In addition, the in silico prediction for this alteration is inconclusive. Since supporting evidence is limited at this time, the clinical significance of this alteration remains unclear.

NM_001148.6(ANK2):c.469A>G (p.Ser157Gly)

Gene: ANK2 (ankyrin 2; plus strand). Cytogenetic location: 4q26.
Variant type: single nucleotide variant.
Coding change: c.469A>G on transcript NM_001148.6 (MANE Select); coding-DNA position 469, A replaced by G.
Protein change: p.Ser157Gly; replaces serine 157 with glycine.
Molecular consequence: missense variant.
Genome position (GRCh38, 1-based): chr4:113,232,245, A>G. VCF-style: chr4-113232245-A-G. GRCh37 (hg19) VCF-style: chr4-114153401-A-G.
Other names: c.406A>G, p.Ser136Gly (NM_001127493.3, NM_001354239.2, NM_001354243.2 and 33 more transcripts); c.469A>G, p.Ser157Gly (NM_001354225.2, NM_001354228.2, NM_001354232.2 and 9 more transcripts); c.514A>G, p.Ser172Gly (NM_001354230.2, NM_001354231.2, NM_001354237.2 and 5 more transcripts); c.451A>G, p.Ser151Gly (NM_001354261.2, NM_001386147.1, NM_001386160.1); c.457A>G, p.Ser153Gly (NM_001354269.3, NM_001386148.2, NM_001386186.2 and 1 more transcripts); c.520A>G, p.Ser174Gly (NM_001386174.1, NM_001386175.1); short protein forms S136G, S172G, S174G, S153G, S157G, S151G.
Identifiers: ClinVar variation 1742509 (VCV001742509.3), dbSNP rs2489745426, ClinGen allele CA357914651.